The following is an entry in ClinVar:

NM_000301.5(PLG):c.1157G>A (p.Arg386Gln)

Gene: PLG (plasminogen; plus strand). Cytogenetic location: 6q26.
Variant type: single nucleotide variant.
Coding change: c.1157G>A on transcript NM_000301.5 (MANE Select); coding-DNA position 1157, G replaced by A.
Protein change: p.Arg386Gln; replaces arginine 386 with glutamine.
Molecular consequence: missense variant.
Genome position (GRCh38, 1-based): chr6:160,722,468, G>A. VCF-style: chr6-160722468-G-A. GRCh37 (hg19) VCF-style: chr6-161143500-G-A.
Other names: short protein forms R386Q.
Identifiers: ClinVar variation 2074786 (VCV002074786.6), dbSNP rs772811538, ClinGen allele CA4087696.

ClinVar aggregate classification (germline): Uncertain significance. Review status: criteria provided, multiple submitters, no conflicts (2 of 4 stars). 3 submissions from 3 submitters: Uncertain significance (3). Last evaluated 2024-11-25.

Conditions:
Plasminogen deficiency, type I. Also called: Type 1 plasminogen deficiency; Hypoplasminogenemia. Identifiers: Orphanet 722, MedGen C1968804, MONDO:0009009, OMIM 217090.
Angioedema, hereditary, 4. Identifiers: MedGen C5543503, MONDO:0025712, OMIM 619360.

Allele frequency attached by ClinVar (database versions not stated): ExAC 0.00002; TOPMed 0.00003; gnomAD exomes 0.00006; gnomAD 0.00007.
gnomAD v4.1: 102 of 1,612,528 alleles (0.0063%); highest among the groups gnomAD compares: East Asian, 0.16%; no homozygotes.

Submissions (3):

Blueprint Genetics
Classification: Uncertain significance. Last evaluated: 2024-11-25. Review status: criteria provided, single submitter. Criteria: ACMG Guidelines, 2015. Collection method: clinical testing. Allele origin: germline.

Labcorp Genetics (formerly Invitae), Labcorp
Classification: Uncertain significance. Last evaluated: 2024-09-10. Review status: criteria provided, single submitter. Criteria: Invitae Variant Classification Sherloc (09022015). Collection method: clinical testing. Allele origin: germline.
Comment: This sequence change replaces arginine, which is basic and polar, with glutamine, which is neutral and polar, at codon 386 of the PLG protein (p.Arg386Gln). This variant is present in population databases (rs772811538, gnomAD 0.01%). This variant has not been reported in the literature in individuals affected with PLG-related conditions. ClinVar contains an entry for this variant (Variation ID: 2074786). Invitae Evidence Modeling of protein sequence and biophysical properties (such as structural, functional, and spatial information, amino acid conservation, physicochemical variation, residue mobility, and thermodynamic stability) indicates that this missense variant is not expected to disrupt PLG protein function with a negative predictive value of 80%. In summary, the available evidence is currently insufficient to determine the role of this variant in disease. Therefore, it has been classified as a Variant of Uncertain Significance.

Fulgent Genetics
Classification: Uncertain significance for Plasminogen deficiency, type I; Angioedema, hereditary, 4. Last evaluated: 2024-04-17. Review status: criteria provided, single submitter. Criteria: ACMG Guidelines, 2015. Collection method: clinical testing. Allele origin: germline.